The following is an entry in ClinVar:

NM_152713.5(STT3A):c.1613G>A (p.Arg538Gln)

Gene: STT3A (STT3 oligosaccharyltransferase complex catalytic subunit A; plus strand). Cytogenetic location: 11q24.2.
Variant type: single nucleotide variant.
Coding change: c.1613G>A on transcript NM_152713.5 (MANE Select); coding-DNA position 1613, G replaced by A.
Protein change: p.Arg538Gln; replaces arginine 538 with glutamine.
Molecular consequence: missense variant.
Genome position (GRCh38, 1-based): chr11:125,614,145, G>A. VCF-style: chr11-125614145-G-A. GRCh37 (hg19) VCF-style: chr11-125484040-G-A.
Other names: c.1337G>A, p.Arg446Gln (NM_001278504.2); c.1613G>A, p.Arg538Gln (NM_001278503.2); short protein forms R446Q, R538Q.
Identifiers: ClinVar variation 4529496 (VCV004529496.2).

ClinVar aggregate classification (germline): Uncertain significance. Review status: criteria provided, multiple submitters, no conflicts (2 of 4 stars). 2 submissions from 2 submitters: Uncertain significance (2). Last evaluated 2025-11-01.

Conditions:
STT3A-congenital disorder of glycosylation. Also called: Congenital disorder of glycosylation type 1w; CONGENITAL DISORDER OF GLYCOSYLATION, TYPE Iw, AUTOSOMAL RECESSIVE; STT3A-CDG. Identifiers: Orphanet 370921, MedGen C5561935, MONDO:0014270, OMIM 615596.

Submissions (2):

Medical Molecular Genetics, National Research Centre
Classification: Uncertain significance for STT3A-congenital disorder of glycosylation. Last evaluated: 2025-11-01. Review status: criteria provided, single submitter. Criteria: ACMG Guidelines, 2015. Collection method: research. Allele origin: inherited. Affected: yes.

3billion
Classification: Uncertain significance for STT3A-congenital disorder of glycosylation. Last evaluated: 2025-05-19. Review status: criteria provided, single submitter. Criteria: ACMG Guidelines, 2015. Collection method: clinical testing. Allele origin: germline. Affected: yes.
Comment: The variant is observed at an extremely low frequency in the gnomAD v4.1.0 dataset (total allele frequency: <0.001%). Predicted Consequence/Location: Missense variant In silico tool predictions suggest damaging effect of the variant on gene or gene product [REVEL: 0.90 (>=0.6, sensitivity 0.68 and specificity 0.92); 3Cnet: 0.62 (> 0.75, sensitivity 0.96 and precision 0.92)]. Therefore, this variant is classified as VUS according to the recommendation of ACMG/AMP guideline.